The following is an entry in ClinVar:

ClinVar aggregate classification (germline): Conflicting classifications of pathogenicity. Review status: criteria provided, conflicting classifications (1 of 4 stars). 3 submissions from 3 submitters: Likely pathogenic (1); Uncertain significance (1). 1 of the submissions does not count toward it. Last evaluated 2024-02-09.

Conditions:
KRT2-related disorder. Also called: KRT2-related condition.

Submissions (3):

GeneDx
Classification: Likely pathogenic. Last evaluated: 2024-02-09. Review status: criteria provided, single submitter. Criteria: GeneDx Variant Classification Process June 2021. Collection method: clinical testing. Allele origin: germline. Affected: yes.
Comment: In-frame deletion of one amino acid in a non-repeat region; Located in the highly conserved helix initiation motif of the alpha-helical rod domain, which is intolerant to change; variants in this motif interfere with proper keratin intermediate filament assembly and function, resulting in skin fragility and/or hyperkeratosis (PMID: 21176769); Not observed at significant frequency in large population cohorts (gnomAD); This variant is associated with the following publications: (PMID: 21176769, 34851365, 26762237)

Labcorp Genetics (formerly Invitae), Labcorp
Classification: Uncertain significance. Last evaluated: 2024-01-11. Review status: criteria provided, single submitter. Criteria: Invitae Variant Classification Sherloc (09022015). Collection method: clinical testing. Allele origin: germline.
Comment: This variant, c.561_563del, results in the deletion of 1 amino acid(s) of the KRT2 protein (p.Asn187del), but otherwise preserves the integrity of the reading frame. This variant is not present in population databases (gnomAD no frequency). This variant has been observed in individuals with clinical features of KRT2-related conditions (PMID: 26762237; Invitae). It has also been observed to segregate with disease in related individuals. Experimental studies and prediction algorithms are not available or were not evaluated, and the functional significance of this variant is currently unknown. In summary, the available evidence is currently insufficient to determine the role of this variant in disease. Therefore, it has been classified as a Variant of Uncertain Significance.

PreventionGenetics, part of Exact Sciences
Classification: Uncertain significance for KRT2-related condition. Last evaluated: 2024-01-08. Review status: no assertion criteria provided. Collection method: clinical testing. Allele origin: germline. Not counted in ClinVar's aggregate classification.
Comment: The KRT2 c.561_563delCAA variant is predicted to result in an in-frame deletion (p.Asn187del). This variant has been reported in an individual with keratinopathic ichthyosis (Diociaiuti et al. 2016. PubMed ID: 26762237). This variant has not been reported in a large population database, indicating this variant is rare. At this time, the clinical significance of this variant is uncertain due to the absence of conclusive functional and genetic evidence.

Literature cited by the submitters: PubMed 26762237 (cited by Labcorp Genetics (formerly Invitae), Labcorp).

NM_000423.3(KRT2):c.555CAA[2] (p.Asn187del)

Gene: KRT2 (keratin 2; minus strand). Cytogenetic location: 12q13.13.
Variant type: Microsatellite.
Coding change: c.555CAA[2] on transcript NM_000423.3 (MANE Select); two copies in a row of the 3-base unit CAA starting at c.555; the reference has three copies in a row; one copy, 3 bases deleted; also written c.561_563del.
Protein change: p.Asn187del; deletes asparagine 187.
Molecular consequence: inframe deletion.
Genome position (GRCh38, 1-based): chr12:52,651,580-52,651,582, TTG deleted on the plus strand (CAA on the coding strand, the reverse complement: KRT2 is on the minus strand); deleting any 3 consecutive bases within chr12:52,651,580-52,651,588 gives the same sequence; the position shown is the placement nearest the transcript's 3' end. VCF-style (leftmost placement, unchanged base first): chr12-52651579-TTTG-T. GRCh37 (hg19) VCF-style: chr12-53045363-TTTG-T.
Other names: c.561_563del (NM_000423.2); c.561_563delCAA (NM_000423.2); short protein forms N187del.
Identifiers: ClinVar variation 2735882 (VCV002735882.6), dbSNP rs2498607342, ClinGen allele CA2695216858.